The following is an entry in ClinVar:

NM_178170.3(NEK8):c.47G>C (p.Gly16Ala)

Gene: NEK8 (NIMA related kinase 8; plus strand). Cytogenetic location: 17q11.2.
Variant type: single nucleotide variant.
Coding change: c.47G>C on transcript NM_178170.3 (MANE Select); coding-DNA position 47, G replaced by C.
Protein change: p.Gly16Ala; replaces glycine 16 with alanine.
Molecular consequence: missense variant.
Genome position (GRCh38, 1-based): chr17:28,728,860, G>C. VCF-style: chr17-28728860-G-C. GRCh37 (hg19) VCF-style: chr17-27055878-G-C.
Other names: short protein forms G16A.
Identifiers: ClinVar variation 4996679 (VCV004996679.1).

ClinVar aggregate classification (germline): Uncertain significance (1 of 4 stars; one submission).

Conditions:
NEK8-related disorder. Also called: NEK8-related condition.

Submission:

PreventionGenetics, part of Exact Sciences
Classification: Uncertain significance for NEK8-related condition. Last evaluated: 2026-09-15. Review status: criteria provided, single submitter. Criteria: ACMG Guidelines, 2015. Collection method: clinical testing. Allele origin: germline.
Comment: The NEK8 c.47G>C variant is predicted to result in the amino acid substitution p.Gly16Ala. To our knowledge, this variant has not been reported in the literature or in a large population database (gnomAD), indicating this variant is rare. At this time, the clinical significance of this variant is uncertain due to the absence of conclusive functional and genetic evidence.